The following is an entry in ClinVar:

ClinVar aggregate classification (germline): Uncertain significance (1 of 4 stars; one submission).

Conditions:
GLUT1 deficiency syndrome 1, autosomal recessive. Identifiers: MedGen C3149117.

Submission:

Labcorp Genetics (formerly Invitae), Labcorp
Classification: Uncertain significance for GLUT1 deficiency syndrome 1, autosomal recessive. Last evaluated: 2022-03-06. Review status: criteria provided, single submitter. Criteria: Invitae Variant Classification Sherloc (09022015). Collection method: clinical testing. Allele origin: germline.
Comment: This sequence change replaces proline, which is neutral and non-polar, with leucine, which is neutral and non-polar, at codon 141 of the SLC2A1 protein (p.Pro141Leu). This variant is not present in population databases (gnomAD no frequency). This variant has not been reported in the literature in individuals affected with SLC2A1-related conditions. Advanced modeling of protein sequence and biophysical properties (such as structural, functional, and spatial information, amino acid conservation, physicochemical variation, residue mobility, and thermodynamic stability) performed at Invitae indicates that this missense variant is expected to disrupt SLC2A1 protein function. In summary, the available evidence is currently insufficient to determine the role of this variant in disease. Therefore, it has been classified as a Variant of Uncertain Significance.

NM_006516.4(SLC2A1):c.422C>T (p.Pro141Leu)

Gene: SLC2A1 (solute carrier family 2 member 1; minus strand). Cytogenetic location: 1p34.2.
Variant type: single nucleotide variant.
Coding change: c.422C>T on transcript NM_006516.4 (MANE Select); coding-DNA position 422, C replaced by T.
Protein change: p.Pro141Leu; replaces proline 141 with leucine.
Molecular consequence: missense variant.
Genome position (GRCh38, 1-based): chr1:42,930,720, G>A on the plus strand (C>T on the coding strand, the complement: SLC2A1 is on the minus strand). VCF-style: chr1-42930720-G-A. GRCh37 (hg19) VCF-style: chr1-43396391-G-A.
Other names: short protein forms P141L.
Identifiers: ClinVar variation 2107420 (VCV002107420.4), dbSNP rs2524997689, ClinGen allele CA339960751.